The following is an entry in ClinVar:

ClinVar aggregate classification (germline): Uncertain significance (1 of 4 stars; one submission).

gnomAD v4.1: 24 of 1,026,886 alleles (0.0023%); highest among the groups gnomAD compares: Non-Finnish European, 0.003%; no homozygotes.

Submission:

Women's Health and Genetics/Laboratory Corporation of America, LabCorp
Classification: Uncertain significance. Last evaluated: 2024-10-30. Review status: criteria provided, single submitter. Criteria: LabCorp Variant Classification Summary - May 2015. Collection method: clinical testing. Allele origin: germline.
Comment: Variant summary: PDE10A c.66C>T (p.Pro22Pro) alters a conserved nucleotide located close to a canonical splice site and therefore could affect mRNA splicing, leading to a significantly altered protein sequence. Consensus agreement among computation tools predict no significant impact on normal splicing. However, these predictions have yet to be confirmed by functional studies. The variant allele was found at a frequency of 7.3e-06 in 137592 control chromosomes. The available data on variant occurrences in the general population are insufficient to allow any conclusion about variant significance. To our knowledge, no occurrence of c.66C>T in individuals affected with PDE10A-Related Disorders and no experimental evidence demonstrating its impact on protein function have been reported. No submitters have cited clinical-significance assessments for this variant to ClinVar. Based on the evidence outlined above, the variant was classified as uncertain significance.

NM_001385079.1(PDE10A):c.864C>T (p.Pro288=)

Gene: PDE10A (phosphodiesterase 10A; minus strand). Cytogenetic location: 6q27.
Variant type: single nucleotide variant.
Coding change: c.864C>T on transcript NM_001385079.1 (MANE Select); coding-DNA position 864, C replaced by T.
Protein change: p.Pro288=; no amino-acid change (proline 288 retained).
Molecular consequence: synonymous variant. On other transcripts: 5 prime UTR variant (1).
Genome position (GRCh38, 1-based): chr6:165,661,948, G>A on the plus strand (C>T on the coding strand, the complement: PDE10A is on the minus strand). VCF-style: chr6-165661948-G-A. GRCh37 (hg19) VCF-style: chr6-166075436-G-A.
Other names: c.66C>T, p.Pro22= (NM_001130690.3); c.-93C>T (NM_006661.4).
Identifiers: ClinVar variation 3384765 (VCV003384765.1).